The following is an entry in ClinVar:

ClinVar aggregate classification (germline): Uncertain significance. Review status: criteria provided, multiple submitters, no conflicts (2 of 4 stars). 2 submissions from 2 submitters: Uncertain significance (2). Last evaluated 2025-10-01.

Conditions:
Hereditary cancer-predisposing syndrome. Also called: Neoplastic Syndromes, Hereditary; Tumor predisposition; Hereditary neoplastic syndrome; Hereditary Cancer Syndrome. Identifiers: Orphanet 140162, MedGen C0027672, MeSH D009386, MONDO:0015356.
Ataxia-telangiectasia-like disorder (ATLD). Identifiers: MedGen C1858391, MONDO:0011457.

Allele frequency attached by ClinVar (database versions not stated): TOPMed 0.00002.
gnomAD v4.1: 7 of 1,613,616 alleles (0.00043%); highest among the groups gnomAD compares: East Asian, 0.013%; no homozygotes.

Submissions (2):

Ambry Genetics
Classification: Uncertain significance for Hereditary cancer-predisposing syndrome. Last evaluated: 2025-10-01. Review status: criteria provided, single submitter. Criteria: Ambry Variant Classification Scheme 2023. Collection method: clinical testing. Allele origin: germline.
Comment: The p.V612M variant (also known as c.1834G>A), located in coding exon 15 of the MRE11A gene, results from a G to A substitution at nucleotide position 1834. The valine at codon 612 is replaced by methionine, an amino acid with highly similar properties. This amino acid position is poorly conserved in available vertebrate species. In addition, this alteration is predicted to be tolerated by in silico analysis. Since supporting evidence is limited at this time, the clinical significance of this alteration remains unclear.

Labcorp Genetics (formerly Invitae), Labcorp
Classification: Uncertain significance for Ataxia-telangiectasia-like disorder. Last evaluated: 2024-09-14. Review status: criteria provided, single submitter. Criteria: Invitae Variant Classification Sherloc (09022015). Collection method: clinical testing. Allele origin: germline.
Comment: This sequence change replaces valine, which is neutral and non-polar, with methionine, which is neutral and non-polar, at codon 612 of the MRE11 protein (p.Val612Met). This variant is present in population databases (rs371719012, gnomAD 0.04%). This variant has not been reported in the literature in individuals affected with MRE11-related conditions. ClinVar contains an entry for this variant (Variation ID: 642476). An algorithm developed to predict the effect of missense changes on protein structure and function outputs the following: PolyPhen-2: "Benign". The methionine amino acid residue is found in multiple mammalian species, which suggests that this missense change does not adversely affect protein function. In summary, the available evidence is currently insufficient to determine the role of this variant in disease. Therefore, it has been classified as a Variant of Uncertain Significance.

NM_005591.4(MRE11):c.1834G>A (p.Val612Met)

Gene: MRE11 (MRE11 double strand break repair nuclease; minus strand). Cytogenetic location: 11q21.
Variant type: single nucleotide variant.
Coding change: c.1834G>A on transcript NM_005591.4 (MANE Select); coding-DNA position 1834, G replaced by A.
Protein change: p.Val612Met; replaces valine 612 with methionine.
Molecular consequence: missense variant. On other transcripts: intron variant (1).
Genome position (GRCh38, 1-based): chr11:94,445,843, C>T on the plus strand (G>A on the coding strand, the complement: MRE11 is on the minus strand). VCF-style: chr11-94445843-C-T. GRCh37 (hg19) VCF-style: chr11-94179009-C-T.
Other names: c.1831G>A, p.Val611Met (NM_001330347.2); c.1783+1376G>A (NM_005590.4); short protein forms V611M, V612M.
Identifiers: ClinVar variation 642476 (VCV000642476.12), dbSNP rs371719012, ClinGen allele CA6234982.